The following is an entry in ClinVar:

ClinVar aggregate classification (germline): Conflicting classifications of pathogenicity. Review status: criteria provided, conflicting classifications (1 of 4 stars). 7 submissions from 7 submitters: Uncertain significance (5); Likely benign (1). 1 of the submissions does not count toward it. Last evaluated 2026-02-03.

Conditions:
POLE-related disorder. Also called: POLE-related condition; POLE-related disorders.
Hereditary cancer-predisposing syndrome. Also called: Hereditary neoplastic syndrome; Neoplastic Syndromes, Hereditary; Hereditary Cancer Syndrome; Tumor predisposition. Identifiers: Orphanet 140162, MedGen C0027672, MeSH D009386, MONDO:0015356.
Colorectal cancer, susceptibility to, 12 (CRCS12). Also called: COLORECTAL CANCER, SUSCEPTIBILITY TO, ON CHROMOSOME 12q24. Identifiers: Orphanet 220460, MedGen C3554460, MONDO:0014038, OMIM 615083.

Allele frequency attached by ClinVar (database versions not stated): gnomAD 0.00001; ExAC 0.00002; TOPMed 0.00002; gnomAD exomes 0.00003.
gnomAD v4.1: 12 of 1,614,100 alleles (0.00074%); highest among the groups gnomAD compares: Admixed American, 0.013%; no homozygotes.

Submissions (7):

Labcorp Genetics (formerly Invitae), Labcorp
Classification: Uncertain significance. Last evaluated: 2026-02-03. Review status: criteria provided, single submitter. Criteria: Invitae Variant Classification Sherloc (09022015). Collection method: clinical testing. Allele origin: germline.
Comment: This sequence change replaces serine, which is neutral and polar, with threonine, which is neutral and polar, at codon 871 of the POLE protein (p.Ser871Thr). This variant is present in population databases (rs770470552, gnomAD 0.02%). This missense change has been observed in individual(s) with breast cancer (PMID: 35534704). ClinVar contains an entry for this variant (Variation ID: 405751). Invitae Evidence Modeling of protein sequence and biophysical properties (such as structural, functional, and spatial information, amino acid conservation, physicochemical variation, residue mobility, and thermodynamic stability) indicates that this missense variant is not expected to disrupt POLE protein function with a negative predictive value of 80%. In summary, the available evidence is currently insufficient to determine the role of this variant in disease. Therefore, it has been classified as a Variant of Uncertain Significance.

Blueprint Genetics
Classification: Uncertain significance. Last evaluated: 2024-11-20. Review status: criteria provided, single submitter. Criteria: ACMG Guidelines, 2015. Collection method: clinical testing. Allele origin: germline.

Ambry Genetics
Classification: Likely benign for Hereditary cancer-predisposing syndrome. Last evaluated: 2024-10-17. Review status: criteria provided, single submitter. Criteria: Ambry Variant Classification Scheme 2023. Collection method: clinical testing. Allele origin: germline.

GeneDx
Classification: Uncertain significance. Last evaluated: 2023-11-06. Review status: criteria provided, single submitter. Criteria: GeneDx Variant Classification Process June 2021. Collection method: clinical testing. Allele origin: germline. Affected: yes.
Comment: In silico analysis supports that this missense variant has a deleterious effect on protein structure/function; Has not been previously published as pathogenic or benign to our knowledge; This variant is associated with the following publications: (PMID: 20951805)

PreventionGenetics, part of Exact Sciences
Classification: Uncertain significance for POLE-related condition. Last evaluated: 2023-03-15. Review status: criteria provided, single submitter. Criteria: ACMG Guidelines, 2015. Collection method: clinical testing. Allele origin: germline.
Comment: The POLE c.2612G>C variant is predicted to result in the amino acid substitution p.Ser871Thr. To our knowledge, this variant has not been reported in the literature. This variant is reported in 0.020% of alleles in individuals of Latino descent in gnomAD. This variant is interpreted as uncertain significance in ClinVar. At this time, the clinical significance of this variant is uncertain due to the absence of conclusive functional and genetic evidence.

Quest Diagnostics Nichols Institute San Juan Capistrano
Classification: Uncertain significance. Last evaluated: 2018-03-29. Review status: criteria provided, single submitter. Criteria: Quest Diagnostics criteria. Collection method: clinical testing. Allele origin: unknown.

Counsyl
Classification: Uncertain significance for Colorectal cancer, susceptibility to, 12. Last evaluated: 2018-03-23. Review status: no assertion criteria provided. Collection method: clinical testing. Allele origin: unknown. Not counted in ClinVar's aggregate classification.

Literature cited by the submitters: PubMed 35534704 (cited by Labcorp Genetics (formerly Invitae), Labcorp).

NM_006231.4(POLE):c.2612G>C (p.Ser871Thr)

Gene: POLE (DNA polymerase epsilon, catalytic subunit; minus strand). Cytogenetic location: 12q24.33.
Variant type: single nucleotide variant.
Coding change: c.2612G>C on transcript NM_006231.4 (MANE Select); coding-DNA position 2612, G replaced by C.
Protein change: p.Ser871Thr; replaces serine 871 with threonine.
Molecular consequence: missense variant.
Genome position (GRCh38, 1-based): chr12:132,664,098, C>G on the plus strand (G>C on the coding strand, the complement: POLE is on the minus strand). VCF-style: chr12-132664098-C-G. GRCh37 (hg19) VCF-style: chr12-133240684-C-G.
Other names: short protein forms S871T.
Identifiers: ClinVar variation 405751 (VCV000405751.20), dbSNP rs770470552, ClinGen allele CA6893488.